The following is an entry in ClinVar:

ClinVar aggregate classification (germline): Pathogenic. Review status: criteria provided, single submitter (1 of 4 stars). 2 submissions from 2 submitters: Pathogenic (1). 1 of the submissions does not count toward it. Last evaluated 2024-02-19.

Conditions:
Anauxetic dysplasia. Identifiers: Orphanet 93347, MedGen C1846796, MONDO:0011773.
Metaphyseal chondrodysplasia, McKusick type (CHH). Also called: Cartilage-hair hypoplasia; Cartilage-Hair Hypoplasia (CHH). Identifiers: Orphanet 175, MedGen C0220748, MONDO:0009595, OMIM 250250.

Submissions (2):

Labcorp Genetics (formerly Invitae), Labcorp
Classification: Pathogenic for Anauxetic dysplasia. Last evaluated: 2024-02-19. Review status: criteria provided, single submitter. Criteria: Invitae Variant Classification Sherloc (09022015). Collection method: clinical testing. Allele origin: germline.
Comment: This variant occurs in the RMRP gene, which encodes an RNA molecule that does not result in a protein product. This variant is not present in population databases (gnomAD no frequency). This variant has been observed in individuals with cartilage-hair hypoplasia (PMID: 21570718). Other insertions and duplications immediately upstream of the coding sequence have been reported in individuals affected with cartilage-hair hypoplasia-anauxetic dysplasia (CHH-AD) spectrum disorders (PMID: 16244706, 11207361, 12107819). This variant is also known as g.-23_8dupTACTCTGTGAAGCTGAG. While functional studies for this variant have not been reported, experimental analyses using patient derived cells, as well as in vitro transfection studies, have shown that promoter insertions result in silencing of RMRP transcription and reduced expression of the gene product (PMID: 11207361, 16254002). For these reasons, this variant has been classified as Pathogenic.

Counsyl
Classification: Likely pathogenic for Metaphyseal chondrodysplasia, McKusick type. Last evaluated: 2017-11-06. Review status: no assertion criteria provided. Collection method: clinical testing. Allele origin: unknown. Not counted in ClinVar's aggregate classification.

Literature cited by the submitters: PubMed 21570718 (cited by Labcorp Genetics (formerly Invitae), Labcorp and Counsyl); PubMed 16244706 (cited by Labcorp Genetics (formerly Invitae), Labcorp); PubMed 11207361 (cited by Labcorp Genetics (formerly Invitae), Labcorp); PubMed 12107819 (cited by Labcorp Genetics (formerly Invitae), Labcorp); PubMed 16254002 (cited by Labcorp Genetics (formerly Invitae), Labcorp).

NC_000009.12:g.35658026_35658042dup

Gene: RMRP (RNA component of mitochondrial RNA processing endoribonuclease; minus strand). Cytogenetic location: 9p13.3.
Variant type: Duplication.
Genome position: GRCh38 VCF-style: chr9-35658024-C-CTCAGCTTCACAGAGTAG. GRCh37 (hg19) VCF-style: chr9-35658021-C-CTCAGCTTCACAGAGTAG.
Identifiers: ClinVar variation 554699 (VCV000554699.10), dbSNP rs920074067, ClinGen allele CA192745759.